The following is an entry in ClinVar:

NM_000350.3(ABCA4):c.4145C>T (p.Thr1382Ile)

Gene: ABCA4 (ATP binding cassette subfamily A member 4; minus strand). Cytogenetic location: 1p22.1.
Variant type: single nucleotide variant.
Coding change: c.4145C>T on transcript NM_000350.3 (MANE Select); coding-DNA position 4145, C replaced by T.
Protein change: p.Thr1382Ile; replaces threonine 1382 with isoleucine.
Molecular consequence: missense variant.
Genome position (GRCh38, 1-based): chr1:94,031,104, G>A on the plus strand (C>T on the coding strand, the complement: ABCA4 is on the minus strand). VCF-style: chr1-94031104-G-A. GRCh37 (hg19) VCF-style: chr1-94496660-G-A.
Other names: c.3923C>T, p.Thr1308Ile (NM_001425324.1); short protein forms T1382I, T1308I.
Identifiers: ClinVar variation 957256 (VCV000957256.7), dbSNP rs1660189911, ClinGen allele CA341286450.

ClinVar aggregate classification (germline): Uncertain significance (1 of 4 stars; one submission).

Allele frequency attached by ClinVar (database versions not stated): gnomAD exomes below 0.00001; TOPMed 0.00001.
gnomAD v4.1: 5 of 1,614,152 alleles (0.00031%); highest among the groups gnomAD compares: Middle Eastern, 0.016%; no homozygotes.

Submission:

Labcorp Genetics (formerly Invitae), Labcorp
Classification: Uncertain significance. Last evaluated: 2022-05-26. Review status: criteria provided, single submitter. Criteria: Invitae Variant Classification Sherloc (09022015). Collection method: clinical testing. Allele origin: germline.
Comment: This sequence change replaces threonine, which is neutral and polar, with isoleucine, which is neutral and non-polar, at codon 1382 of the ABCA4 protein (p.Thr1382Ile). This variant is not present in population databases (gnomAD no frequency). This variant has not been reported in the literature in individuals affected with ABCA4-related conditions. ClinVar contains an entry for this variant (Variation ID: 957256). Advanced modeling of protein sequence and biophysical properties (such as structural, functional, and spatial information, amino acid conservation, physicochemical variation, residue mobility, and thermodynamic stability) performed at Invitae indicates that this missense variant is not expected to disrupt ABCA4 protein function. In summary, the available evidence is currently insufficient to determine the role of this variant in disease. Therefore, it has been classified as a Variant of Uncertain Significance.